The following is an entry in ClinVar:

ClinVar aggregate classification (germline): Likely benign. Review status: criteria provided, single submitter (1 of 4 stars). 2 submissions from 2 submitters: Likely benign (1). 1 of the submissions does not count toward it. Last evaluated 2018-01-19.

Conditions:
CDK20-related disorder. Also called: CDK20-related condition.

Allele frequency attached by ClinVar (database versions not stated): ExAC 0.00019; gnomAD 0.00025; ESP Exome Variant Server 0.00039; TOPMed 0.00039.
gnomAD v4.1: 137 of 1,553,716 alleles (0.0088%); highest among the groups gnomAD compares: African/African-American, 0.14%; 1 homozygote.

Submissions (2):

Labcorp Genetics (formerly Invitae), Labcorp
Classification: Likely benign. Last evaluated: 2018-01-19. Review status: criteria provided, single submitter. Criteria: Invitae Variant Classification Sherloc (09022015). Collection method: clinical testing. Allele origin: germline.

PreventionGenetics, part of Exact Sciences
Classification: Likely benign for CDK20-related condition. Last evaluated: 2019-10-29. Review status: no assertion criteria provided. Collection method: clinical testing. Allele origin: germline. Not counted in ClinVar's aggregate classification.
Comment: This variant is classified as likely benign based on ACMG/AMP sequence variant interpretation guidelines (Richards et al. 2015 PMID: 25741868, with internal and published modifications).

NM_001039803.3(CDK20):c.1038G>A (p.Gly346=)

Gene: CDK20 (cyclin dependent kinase 20; minus strand). Cytogenetic location: 9q22.1.
Variant type: single nucleotide variant.
Coding change: c.1038G>A on transcript NM_001039803.3 (MANE Select); coding-DNA position 1038, G replaced by A.
Protein change: p.Gly346=; no amino-acid change (glycine 346 retained).
Molecular consequence: synonymous variant. On other transcripts: 3 prime UTR variant (2).
Genome position (GRCh38, 1-based): chr9:87,967,465, C>T on the plus strand (G>A on the coding strand, the complement: CDK20 is on the minus strand). VCF-style: chr9-87967465-C-T. GRCh37 (hg19) VCF-style: chr9-90582380-C-T.
Other names: c.*119G>A (NM_001170639.2, NM_001170640.2); c.975G>A, p.Gly325= (NM_012119.5); c.1014G>A, p.Gly338= (NM_178432.4).
Identifiers: ClinVar variation 734152 (VCV000734152.5), dbSNP rs144686198, ClinGen allele CA5113937.